The following is an entry in ClinVar:

ClinVar aggregate classification (germline): Pathogenic (0 of 4 stars; one submission).

Conditions:
Steinert myotonic dystrophy syndrome (DM1). Also called: STEINERT DISEASE; Myotonic dystrophy type 1; Dystrophia myotonica type 1; Steinert myotonic dystrophy; Steinert's disease. Identifiers: Orphanet 273, MedGen C3250443, MONDO:0008056, OMIM 160900.

Submission:

Institute of Molecular, Cell and Systems Biology, University of Glasgow
Classification: Pathogenic for Steinert myotonic dystrophy syndrome. Review status: no assertion criteria provided. Criteria: research. Collection method: research. Allele origin: germline. Inheritance: Autosomal dominant inheritance. Affected: yes. Observed: 2 heterozygotes.
Comment: DMPK CTG repeat expansions greater than approximately 45-50 repeats are assumed to be pathogenic

This record is based on data published in PubMed 25052313, which reports only ClinVar accessions SCV000120188 and SCV000120189. The complete data set includes SCV000207445 - SCV000207579.

Literature cited by the submitters: PubMed 1346923; PubMed 1546326; PubMed 25052313.

NM_004409.5(DMPK):c.*224CTG[513]

Genes: DM1-AS (DM1 locus antisense RNA; plus strand), DMPK (DM1 protein kinase; minus strand), LOC107075317 (origin of replication in DMPK trinucleotide repeat region; plus strand), LOC109461477 (dystrophia myotonica protein kinase repeat instability region; plus strand). Cytogenetic location: 19q13.32.
Variant type: Microsatellite.
Coding change: c.*224CTG[513] on transcript NM_004409.5 (MANE Select); 513 copies in a row of the 3-base unit CTG starting at c.*224.
Molecular consequence: 3 prime UTR variant.
Genome position: GRCh38, VCF-style position (the base before the change): chr19:45,770,204. GRCh37 (hg19), VCF-style position (the base before the change): chr19:46,273,462.
Other names: DM1 CTG repeat expansion; c.*224CTG[513] (NM_001081560.3, NM_001288764.2, NM_001424165.1 and 1 more transcripts); c.*217CTG[513] (NM_001081562.3, NM_001288765.2, NM_001424162.1 and 2 more transcripts); c.*222_*224TGC[513] (NM_001081563.3); c.*369CTG[513] (NM_001288766.2, NM_001424164.1, NM_001424168.1).
Identifiers: ClinVar variation 187996 (VCV000187996.2), ClinGen allele CA915951819.